The following is an entry in ClinVar:

NM_000264.5(PTCH1):c.3064A>G (p.Ile1022Val)

Gene: PTCH1 (patched 1; minus strand). Cytogenetic location: 9q22.32.
Variant type: single nucleotide variant.
Coding change: c.3064A>G on transcript NM_000264.5 (MANE Select); coding-DNA position 3064, A replaced by G.
Protein change: p.Ile1022Val; replaces isoleucine 1022 with valine.
Molecular consequence: missense variant. On other transcripts: non-coding transcript variant (1).
Genome position (GRCh38, 1-based): chr9:95,458,117, T>C on the plus strand (A>G on the coding strand, the complement: PTCH1 is on the minus strand). VCF-style: chr9-95458117-T-C. GRCh37 (hg19) VCF-style: chr9-98220399-T-C.
Other names: c.2866A>G, p.Ile956Val (NM_001083602.3); c.3061A>G, p.Ile1021Val (NM_001083603.3); c.2611A>G, p.Ile871Val (NM_001083604.3, NM_001083605.3, NM_001083606.3 and 1 more transcripts); c.2908A>G, p.Ile970Val (NM_001354918.2); short protein forms I1022V, I871V, I956V, I970V, I1021V.
Identifiers: ClinVar variation 1519079 (VCV001519079.10), dbSNP rs1003711941, ClinGen allele CA196574874.

ClinVar aggregate classification (germline): Uncertain significance. Review status: criteria provided, multiple submitters, no conflicts (2 of 4 stars). 3 submissions from 3 submitters: Uncertain significance (3). Last evaluated 2024-04-16.

Conditions:
Hereditary cancer-predisposing syndrome. Also called: Neoplastic Syndromes, Hereditary; Hereditary Cancer Syndrome; Tumor predisposition; Hereditary neoplastic syndrome. Identifiers: Orphanet 140162, MedGen C0027672, MeSH D009386, MONDO:0015356.
Basal cell carcinoma, susceptibility to, 1. Also called: BCC1. Identifiers: MedGen C2751544, MONDO:0011556, OMIM 605462.
Gorlin syndrome. Also called: Basal cell nevus syndrome; Nevoid Basal Cell Carcinoma Syndrome. Identifiers: Orphanet 377, MedGen C0004779, MONDO:0007187.

Allele frequency attached by ClinVar (database versions not stated): gnomAD exomes below 0.00001.

Submissions (3):

Labcorp Genetics (formerly Invitae), Labcorp
Classification: Uncertain significance for Gorlin syndrome. Last evaluated: 2024-04-16. Review status: criteria provided, single submitter. Criteria: Invitae Variant Classification Sherloc (09022015). Collection method: clinical testing. Allele origin: germline.
Comment: This sequence change replaces isoleucine, which is neutral and non-polar, with valine, which is neutral and non-polar, at codon 1022 of the PTCH1 protein (p.Ile1022Val). This variant is not present in population databases (gnomAD no frequency). This variant has not been reported in the literature in individuals affected with PTCH1-related conditions. ClinVar contains an entry for this variant (Variation ID: 1519079). Advanced modeling of protein sequence and biophysical properties (such as structural, functional, and spatial information, amino acid conservation, physicochemical variation, residue mobility, and thermodynamic stability) performed at Invitae indicates that this missense variant is not expected to disrupt PTCH1 protein function with a negative predictive value of 95%. In summary, the available evidence is currently insufficient to determine the role of this variant in disease. Therefore, it has been classified as a Variant of Uncertain Significance.

Ambry Genetics
Classification: Uncertain significance for Hereditary cancer-predisposing syndrome. Last evaluated: 2024-03-13. Review status: criteria provided, single submitter. Criteria: Ambry Variant Classification Scheme 2023. Collection method: clinical testing. Allele origin: germline.
Comment: The p.I1022V variant (also known as c.3064A>G), located in coding exon 18 of the PTCH1 gene, results from an A to G substitution at nucleotide position 3064. The isoleucine at codon 1022 is replaced by valine, an amino acid with highly similar properties. This amino acid position is not well conserved in available vertebrate species. In addition, this alteration is predicted to be tolerated by in silico analysis. Since supporting evidence is limited at this time, the clinical significance of this alteration remains unclear.

Baylor Genetics
Classification: Uncertain significance for Basal cell carcinoma, susceptibility to, 1. Last evaluated: 2023-06-21. Review status: criteria provided, single submitter. Criteria: ACMG Guidelines, 2015. Collection method: clinical testing. Allele origin: unknown.